The following is an entry in ClinVar:

NM_002878.4(RAD51D):c.-82_82+91del

Genes: RAD51L3-RFFL (RAD51L3-RFFL readthrough; minus strand), RAD51D (RAD51 paralog D; minus strand). Cytogenetic location: 17q12.
Variant type: Deletion.
Coding change: c.-82_82+91del on transcript NM_002878.4 (MANE Select); 82 bases upstream of the start codon through 91 bases into the intron after coding-DNA position 82, 255 bases deleted.
Molecular consequence: splice donor variant, initiator codon variant.
Genome position (GRCh38, 1-based): chr17:35,119,441-35,119,695, 255 bases deleted. GRCh37 (hg19): chr17:33,446,460-33,446,714.
Other names: c.-82_82+91del (NM_133629.3, NM_001142571.2).
Identifiers: ClinVar variation 1762443 (VCV001762443.5), dbSNP rs2509187693, ClinGen allele CA2580093273.

ClinVar aggregate classification (germline): Pathogenic/Likely pathogenic. Review status: criteria provided, multiple submitters, no conflicts (2 of 4 stars). 2 submissions from 2 submitters: Pathogenic (1); Likely pathogenic (1). Last evaluated 2025-04-30.

Conditions:
Hereditary cancer-predisposing syndrome. Also called: Neoplastic Syndromes, Hereditary; Tumor predisposition; Hereditary Cancer Syndrome; Hereditary neoplastic syndrome. Identifiers: Orphanet 140162, MedGen C0027672, MeSH D009386, MONDO:0015356.

Submissions (2):

Ambry Genetics
Classification: Pathogenic for Hereditary cancer-predisposing syndrome. Last evaluated: 2025-04-30. Review status: criteria provided, single submitter. Criteria: Ambry Variant Classification Scheme 2023. Collection method: clinical testing. Allele origin: germline.
Comment: The c.-82_82+91del255 gross deletion includes at least a portion of the 5&rsquo; untranslated region (UTR) through coding exon 1 and a portion of intron 1 in the RAD51D gene. Gross deletions are typically deleterious in nature and are expected to result in loss of function due to an abnormal transcript, a translational frameshift leading to premature truncation, or nonsense-mediated mRNA decay. As such, this alteration is interpreted as a disease-causing mutation.

GeneDx
Classification: Likely pathogenic. Last evaluated: 2023-12-20. Review status: criteria provided, single submitter. Criteria: GeneDx Variant Classification Process June 2021. Collection method: clinical testing. Allele origin: germline. Affected: yes.
Comment: Deletion involving part of the 5' untranslated region, the initiation codon and a coding exon predicted to result in loss of function in a gene for while loss of function is a known mechanism of disease; Not observed at significant frequency in large population cohorts (gnomAD); Has not been previously published as pathogenic or benign to our knowledge; A similar deletion of RAD51D exon 1 has been reported in an individual with triple-negative breast cancer (PMID: 26976419); This variant is associated with the following publications: (PMID: 26976419)